The following is an entry in ClinVar:

NM_001128425.2(MUTYH):c.164C>T (p.Ala55Val)

Gene: MUTYH (mutY DNA glycosylase; minus strand). Cytogenetic location: 1p34.1.
Variant type: single nucleotide variant.
Coding change: c.164C>T on transcript NM_001128425.2 (MANE Plus Clinical); coding-DNA position 164, C replaced by T.
Protein change: p.Ala55Val; replaces alanine 55 with valine.
Molecular consequence: missense variant. On other transcripts: intron variant (12).
Genome position (GRCh38, 1-based): chr1:45,333,597, G>A on the plus strand (C>T on the coding strand, the complement: MUTYH is on the minus strand). VCF-style: chr1-45333597-G-A. GRCh37 (hg19) VCF-style: chr1-45799269-G-A.
Other names: c.158-3C>T (NM_012222.3); c.-97-100C>T (NM_001293196.2, NM_001293192.2); c.116-36C>T (NM_001048173.2, NM_001048174.2, NM_001293195.2 and 1 more transcripts); c.116-33C>T (NM_001048172.2); c.116-3C>T (NM_001293191.2); c.-92-100C>T (NM_001350651.2); c.-156-36C>T (NM_001350650.2); c.158-33C>T (NM_001293190.2); short protein forms A55V.
Identifiers: ClinVar variation 483897 (VCV000483897.22), dbSNP rs1553130580, ClinGen allele CA340136842.
Genomic context (GRCh38, chr1:45,333,597, plus strand): 5'-ACCTCTTCCGGCTGCCTGGCCAGGCCTGCTGGGGCCCCAGGACACTCAGCAATCATCCCT[G>A]CACAGGCTGTGCATCAGGGTCTTGGGACACAGCAGCCTGTGGCAGTATGCTCCCACTTAG-3'
Protein context (NP_001121897.1, residues 45-65): QAKPSACDAC[Ala55Val]GMIAECPGAP

ClinVar aggregate classification (germline): Conflicting classifications of pathogenicity. Review status: criteria provided, conflicting classifications (1 of 4 stars). 4 submissions from 4 submitters: Uncertain significance (3); Likely benign (1). Last evaluated 2026-08-12.

Conditions:
Hereditary cancer-predisposing syndrome. Also called: Neoplastic Syndromes, Hereditary; Hereditary neoplastic syndrome; Hereditary Cancer Syndrome; Tumor predisposition. Identifiers: Orphanet 140162, MedGen C0027672, MeSH D009386, MONDO:0015356.
Familial adenomatous polyposis 2. Also called: MUTYH-related attenuated familial adenomatous polyposis; MUTYH Polyposis; MYH-associated polyposis; FAP type 2; MUTYH-associated polyposis; Adenomas, multiple colorectal. Identifiers: Orphanet 220460, Orphanet 247798, MedGen C3272841, MONDO:0012041, OMIM 608456.

Allele frequency attached by ClinVar (database versions not stated): gnomAD exomes below 0.00001.
gnomAD v4.1: 2 of 1,607,492 alleles (0.00012%); highest among the groups gnomAD compares: Non-Finnish European, 0.00017%; no homozygotes.

Submissions (4):

Ambry Genetics
Classification: Likely benign for Hereditary cancer-predisposing syndrome. Last evaluated: 2026-08-12. Review status: criteria provided, single submitter. Criteria: Ambry Variant Classification Scheme 2023. Collection method: clinical testing. Allele origin: germline.

Labcorp Genetics (formerly Invitae), Labcorp
Classification: Uncertain significance for Familial adenomatous polyposis 2. Last evaluated: 2025-05-07. Review status: criteria provided, single submitter. Criteria: Invitae Variant Classification Sherloc (09022015). Collection method: clinical testing. Allele origin: germline.
Comment: This sequence change replaces alanine, which is neutral and non-polar, with valine, which is neutral and non-polar, at codon 55 of the MUTYH protein (p.Ala55Val). This variant is not present in population databases (gnomAD no frequency). This variant has not been reported in the literature in individuals affected with MUTYH-related conditions. ClinVar contains an entry for this variant (Variation ID: 483897). An algorithm developed to predict the effect of missense changes on protein structure and function (PolyPhen-2) suggests that this variant is likely to be tolerated. In summary, the available evidence is currently insufficient to determine the role of this variant in disease. Therefore, it has been classified as a Variant of Uncertain Significance.

Color Diagnostics, LLC DBA Color Health
Classification: Uncertain significance for Hereditary cancer-predisposing syndrome. Last evaluated: 2024-03-06. Review status: criteria provided, single submitter. Criteria: ACMG Guidelines, 2015. Collection method: clinical testing. Allele origin: germline.
Comment: This missense variant replaces alanine with valine at codon 55 of the MUTYH protein. Computational prediction suggests that this variant may not impact protein structure and function (internally defined REVEL score threshold <= 0.5, PMID: 27666373). To our knowledge, functional studies have not been reported for this variant. This variant has not been reported in individuals affected with MUTYH-related disorders in the literature. This variant has not been identified in the general population by the Genome Aggregation Database (gnomAD). The available evidence is insufficient to determine the role of this variant in disease conclusively. Therefore, this variant is classified as a Variant of Uncertain Significance.

Quest Diagnostics Nichols Institute San Juan Capistrano
Classification: Uncertain significance. Last evaluated: 2017-12-21. Review status: criteria provided, single submitter. Criteria: Quest Diagnostics criteria. Collection method: clinical testing. Allele origin: germline.